The following is an entry in ClinVar:

ClinVar aggregate classification (germline): Likely benign. Review status: criteria provided, multiple submitters, no conflicts (2 of 4 stars). 2 submissions from 2 submitters: Likely benign (2). Last evaluated 2025-12-23.

Allele frequency attached by ClinVar (database versions not stated): ExAC 0.00005; gnomAD exomes 0.00006; TOPMed 0.00009; gnomAD 0.00012 and 0.00014; ESP Exome Variant Server 0.00031.
gnomAD v4.1: 66 of 1,613,808 alleles (0.0041%); highest among the groups gnomAD compares: African/African-American, 0.033%; no homozygotes.

Submissions (2):

Labcorp Genetics (formerly Invitae), Labcorp
Classification: Likely benign. Last evaluated: 2025-12-23. Review status: criteria provided, single submitter. Criteria: Invitae Variant Classification Sherloc (09022015). Collection method: clinical testing. Allele origin: germline.

CeGaT Center for Human Genetics Tuebingen
Classification: Likely benign. Last evaluated: 2025-06-01. Review status: criteria provided, single submitter. Criteria: CeGaT Center For Human Genetics Tuebingen Variant Classification Criteria Version 2. Collection method: clinical testing. Allele origin: germline. Affected: yes. Observed: 1 variant allele.
Comment: PPP2R1A: BP4, BP7

NM_014225.6(PPP2R1A):c.456C>T (p.Ser152=)

Gene: PPP2R1A (protein phosphatase 2 scaffold subunit Aalpha; plus strand). Cytogenetic location: 19q13.41.
Variant type: single nucleotide variant.
Coding change: c.456C>T on transcript NM_014225.6 (MANE Select); coding-DNA position 456, C replaced by T.
Protein change: p.Ser152=; no amino-acid change (serine 152 retained).
Molecular consequence: synonymous variant. On other transcripts: 5 prime UTR variant (1), non-coding transcript variant (1).
Genome position (GRCh38, 1-based): chr19:52,211,445, C>T. VCF-style: chr19-52211445-C-T. GRCh37 (hg19) VCF-style: chr19-52714698-C-T.
Other names: c.-82C>T (NM_001363656.2).
Identifiers: ClinVar variation 1566719 (VCV001566719.16), dbSNP rs139229358, ClinGen allele CA9621336.